The following is an entry in ClinVar:

ClinVar aggregate classification (germline): Benign. Review status: criteria provided, multiple submitters, no conflicts (2 of 4 stars). 2 submissions from 2 submitters: Benign (2). Last evaluated 2018-01-13.

Conditions:
Osteopetrosis. Identifiers: Orphanet 2781, MedGen C0029454, MONDO:0017198, HP:0011002.

Allele frequency attached by ClinVar (database versions not stated): 1000 Genomes Project 0.58706; TOPMed 0.52512; gnomAD exomes 0.49472; gnomAD 0.51156 and 0.51545.

Submissions (2):

Illumina Laboratory Services, Illumina
Classification: Benign for Osteopetrosis. Last evaluated: 2018-01-13. Review status: criteria provided, single submitter. Criteria: ICSL Variant Classification Criteria 13 December 2019. Collection method: clinical testing. Allele origin: germline.
Comment: This variant was observed in the ICSL laboratory as part of a predisposition screen in an ostensibly healthy population. It had not been previously curated by ICSL or reported in the Human Gene Mutation Database (HGMD: prior to June 1st, 2018), and was therefore a candidate for classification through an automated scoring system. Utilizing variant allele frequency, disease prevalence and penetrance estimates, and inheritance mode, an automated score was calculated to assess if this variant is too frequent to cause the disease. Based on the score and internal cut-off values, a variant classified as benign is not then subjected to further curation. The score for this variant resulted in a classification of benign for this disease.

Breakthrough Genomics
Classification: Benign. Review status: criteria provided, single submitter. Criteria: ACMG Guidelines, 2015. Collection method: not provided. Allele origin: germline. Inheritance: Autosomal recessive inheritance. Affected: yes.

NM_001287.6(CLCN7):c.*735C>T

Gene: CLCN7 (chloride voltage-gated channel 7; minus strand). Cytogenetic location: 16p13.3.
Variant type: single nucleotide variant.
Coding change: c.*735C>T on transcript NM_001287.6 (MANE Select); 735 bases downstream of the stop codon, C replaced by T.
Molecular consequence: 3 prime UTR variant.
Genome position (GRCh38, 1-based): chr16:1,445,896, G>A on the plus strand (C>T on the coding strand, the complement: CLCN7 is on the minus strand). VCF-style: chr16-1445896-G-A. GRCh37 (hg19) VCF-style: chr16-1495897-G-A.
Other names: c.*735C>T (NM_001114331.3).
Identifiers: ClinVar variation 317926 (VCV000317926.6), dbSNP rs2294542, ClinGen allele CA10642947.
Genomic context (GRCh38, chr16:1,445,896, plus strand): 5'-CTCTGAGGCTCAGGGACCAAGGCAGGGCTGGGTGTGGGGCCCAGACTCCAAGCTCTGGGG[G>A]TTGGGGGACCAAGGCAGGGCTGGGCATGGGGCTCAGGGCCTTGGAGGTTTTTCTCAGCTC-3'